The following is an entry in ClinVar:

NM_000088.4(COL1A1):c.1018del (p.Ala340fs)

Gene: COL1A1 (collagen type I alpha 1 chain; minus strand). Cytogenetic location: 17q21.33.
Variant type: Deletion.
Coding change: c.1018del on transcript NM_000088.4 (MANE Select); coding-DNA position 1018, one base deleted (G; older notation c.1018delG).
Protein change: p.Ala340fs; shifts the reading frame from alanine 340.
Molecular consequence: frameshift variant.
Genome position (GRCh38, 1-based): chr17:50,195,961, C deleted on the plus strand (G on the coding strand, the reverse complement: COL1A1 is on the minus strand). VCF-style (leftmost placement, unchanged base first): chr17-50195960-GC-G. GRCh37 (hg19) VCF-style: chr17-48273321-GC-G.
Other names: short protein forms A340fs.
Identifiers: ClinVar variation 1452232 (VCV001452232.6), dbSNP rs2144578888, ClinGen allele CA2573154211.

ClinVar aggregate classification (germline): Pathogenic (1 of 4 stars; one submission).

Conditions:
Osteogenesis imperfecta type I (OI1). Also called: Lobstein disease; OI, TYPE I; OSTEOGENESIS IMPERFECTA TARDA; OSTEOGENESIS IMPERFECTA WITH BLUE SCLERAE; Lobstein's Disease; Classic Non-deforming Osteogenesis Imperfecta with Blue Sclerae. Identifiers: Orphanet 216796, Orphanet 666, MedGen C0023931, MONDO:0008146, OMIM 166200. Disease mechanism: loss of function.

Submission:

Labcorp Genetics (formerly Invitae), Labcorp
Classification: Pathogenic for Osteogenesis imperfecta type I. Last evaluated: 2024-07-08. Review status: criteria provided, single submitter. Criteria: Invitae Variant Classification Sherloc (09022015). Collection method: clinical testing. Allele origin: germline.
Comment: This sequence change creates a premature translational stop signal (p.Ala340Leufs*201) in the COL1A1 gene. It is expected to result in an absent or disrupted protein product. Loss-of-function variants in COL1A1 are known to be pathogenic (PMID: 7942841, 9295084, 9443882). This variant is not present in population databases (gnomAD no frequency). This variant has not been reported in the literature in individuals affected with COL1A1-related conditions. ClinVar contains an entry for this variant (Variation ID: 1452232). For these reasons, this variant has been classified as Pathogenic.

Literature cited by the submitters: PubMed 7942841; PubMed 9295084; PubMed 9443882.